The following is an entry in ClinVar:

NM_020529.3(NFKBIA):c.336+4C>T

Gene: NFKBIA (NFKB inhibitor alpha; minus strand). Cytogenetic location: 14q13.2.
Variant type: single nucleotide variant.
Coding change: c.336+4C>T on transcript NM_020529.3 (MANE Select); 4 bases into the intron after coding-DNA position 336, C replaced by T.
Molecular consequence: intron variant.
Genome position (GRCh38, 1-based): chr14:35,403,686, G>A on the plus strand (C>T on the coding strand, the complement: NFKBIA is on the minus strand). VCF-style: chr14-35403686-G-A. GRCh37 (hg19) VCF-style: chr14-35872892-G-A.
Identifiers: ClinVar variation 2175980 (VCV002175980.5), dbSNP rs371012003, ClinGen allele CA258862254.

ClinVar aggregate classification (germline): Uncertain significance. Review status: criteria provided, multiple submitters, no conflicts (2 of 4 stars). 2 submissions from 2 submitters: Uncertain significance (2). Last evaluated 2025-11-11.

Conditions:
Ectodermal dysplasia and immunodeficiency 2. Identifiers: Orphanet 238468, Orphanet 98813, MedGen C2677481, MONDO:0012806, OMIM 612132.

Allele frequency attached by ClinVar (database versions not stated): gnomAD exomes below 0.00001; TOPMed below 0.00001; gnomAD 0.00001; ESP Exome Variant Server 0.00008.
gnomAD v4.1: 6 of 1,606,290 alleles (0.00037%); highest among the groups gnomAD compares: Non-Finnish European, 0.00043%; no homozygotes.

Submissions (2):

Labcorp Genetics (formerly Invitae), Labcorp
Classification: Uncertain significance for Ectodermal dysplasia and immunodeficiency 2. Last evaluated: 2025-11-11. Review status: criteria provided, single submitter. Criteria: Invitae Variant Classification Sherloc (09022015). Collection method: clinical testing. Allele origin: germline.
Comment: This sequence change falls in intron 2 of the NFKBIA gene. It does not directly change the encoded amino acid sequence of the NFKBIA protein. It affects a nucleotide within the consensus splice site. This variant is present in population databases (rs371012003, gnomAD 0.0008%). This variant has not been reported in the literature in individuals affected with NFKBIA-related conditions. ClinVar contains an entry for this variant (Variation ID: 2175980). Variants that disrupt the consensus splice site are a relatively common cause of aberrant splicing (PMID: 17576681, 9536098). Algorithms developed to predict the effect of sequence changes on RNA splicing suggest that this variant is not likely to affect RNA splicing. In summary, the available evidence is currently insufficient to determine the role of this variant in disease. Therefore, it has been classified as a Variant of Uncertain Significance.

Blueprint Genetics
Classification: Uncertain significance. Last evaluated: 2021-02-08. Review status: criteria provided, single submitter. Criteria: ACMG Guidelines, 2015. Collection method: clinical testing. Allele origin: germline.

Literature cited by the submitters: PubMed 17576681 (cited by Labcorp Genetics (formerly Invitae), Labcorp); PubMed 9536098 (cited by Labcorp Genetics (formerly Invitae), Labcorp).